The following is an entry in ClinVar:

NM_017780.4(CHD7):c.2185A>G (p.Lys729Glu)

Gene: CHD7 (chromodomain helicase DNA binding protein 7; plus strand). Cytogenetic location: 8q12.2.
Variant type: single nucleotide variant.
Coding change: c.2185A>G on transcript NM_017780.4 (MANE Select); coding-DNA position 2185, A replaced by G.
Protein change: p.Lys729Glu; replaces lysine 729 with glutamic acid.
Molecular consequence: missense variant. On other transcripts: intron variant (1).
Genome position (GRCh38, 1-based): chr8:60,795,074, A>G. VCF-style: chr8-60795074-A-G. GRCh37 (hg19) VCF-style: chr8-61707633-A-G.
Other names: c.1716+14024A>G (NM_001316690.1); short protein forms K729E.
Identifiers: ClinVar variation 587800 (VCV000587800.92), dbSNP rs41272437, ClinGen allele CA4759633.

ClinVar aggregate classification (germline): Conflicting classifications of pathogenicity. Review status: criteria provided, conflicting classifications (1 of 4 stars). 13 submissions from 13 submitters: Uncertain significance (1); Benign (1); Likely benign (8). 3 of the submissions do not count toward it. Last evaluated 2026-01-28.

Conditions:
CHD7-related disorder. Also called: CHD7-related condition.
CHARGE syndrome (CHARGE). Also called: Coloboma, heart anomaly, choanal atresia, retardation, genital and ear anomalies; CHARGE association; Hall-Hittner syndrome; Hittner Hirsch Kreh syndrome; CHARGE ASSOCIATION--COLOBOMA, HEART ANOMALY, CHOANAL ATRESIA, RETARDATION, GENITAL AND EAR ANOMALIES. Identifiers: Orphanet 138, MedGen C0265354, MONDO:0008965.
Hypogonadotropic hypogonadism 5 with or without anosmia (KAL5). Also called: HYPOGONADOTROPIC HYPOGONADISM 5 WITH ANOSMIA; HYPOGONADOTROPHIC HYPOGONADISM 5 WITHOUT ANOSMIA; CHD7-Related GnRH Deficiency (Kallmann Syndrome 5). Identifiers: Orphanet 478, MedGen C3552553, MONDO:0012880, OMIM 612370. Disease mechanism: loss of function.
Inborn genetic diseases. Identifiers: MedGen C0950123, MeSH D030342.

Allele frequency attached by ClinVar (database versions not stated): gnomAD 0.00034 and 0.00035; TOPMed 0.00034; gnomAD exomes 0.00035 and 0.00052; ExAC 0.00036; ESP Exome Variant Server 0.00051; 1000 Genomes Project 30x 0.00062; 1000 Genomes Project 0.00080.
gnomAD v4.1: 796 of 1,613,906 alleles (0.049%); highest among the groups gnomAD compares: Admixed American, 0.075%; 1 homozygote.

Submissions (13):

Labcorp Genetics (formerly Invitae), Labcorp
Classification: Likely benign for CHARGE syndrome. Last evaluated: 2026-01-28. Review status: criteria provided, single submitter. Criteria: Invitae Variant Classification Sherloc (09022015). Collection method: clinical testing. Allele origin: germline.

Women's Health and Genetics/Laboratory Corporation of America, LabCorp
Classification: Likely benign. Last evaluated: 2025-10-31. Review status: criteria provided, single submitter. Criteria: LabCorp Variant Classification Summary - May 2015. Collection method: clinical testing. Allele origin: germline.
Comment: Variant summary: CHD7 c.2185A>G (p.Lys729Glu) results in a conservative amino acid change in the encoded protein sequence. Algorithms developed to predict the effect of missense changes on protein structure and function are either unavailable or do not agree on the potential impact of this missense change. The variant allele was found at a frequency of 0.00035 in 249122 control chromosomes in the gnomAD database, including 1 homozygote, suggesting the variant is a benign polymorphism. c.2185A>G has been observed in individuals affected with CHD7-related conditions (e.g., Balasubramanian_2014). These reports do not provide unequivocal conclusions about association of the variant with Hypogonadotropic Hypogonadism 5 With Or Without Anosmia. To our knowledge, no experimental evidence demonstrating an impact on protein function has been reported. The following publication has been ascertained in the context of this evaluation (PMID: 25472840). ClinVar contains an entry for this variant (Variation ID: 587800). Based on the evidence outlined above, the variant was classified as likely benign.

CeGaT Center for Human Genetics Tuebingen
Classification: Likely benign. Last evaluated: 2025-10-01. Review status: criteria provided, single submitter. Criteria: CeGaT Center For Human Genetics Tuebingen Variant Classification Criteria Version 2. Collection method: clinical testing. Allele origin: germline. Affected: yes. Observed: 2 variant alleles.
Comment: CHD7: BS1

Blueprint Genetics
Classification: Likely benign. Last evaluated: 2024-08-13. Review status: criteria provided, single submitter. Criteria: ACMG Guidelines, 2015. Collection method: clinical testing. Allele origin: germline.

ARUP Laboratories, Molecular Genetics and Genomics, ARUP Laboratories
Classification: Likely benign. Last evaluated: 2020-05-03. Review status: criteria provided, single submitter. Criteria: ARUP Molecular Germline Variant Investigation Process. Collection method: clinical testing. Allele origin: germline.

GeneDx
Classification: Benign. Last evaluated: 2020-04-03. Review status: criteria provided, single submitter. Criteria: GeneDx Variant Classification Process June 2021. Collection method: clinical testing. Allele origin: germline. Affected: yes.
Comment: This variant is associated with the following publications: (PMID: 30733481, 33270637)

Ambry Genetics
Classification: Likely benign for Inborn genetic diseases. Last evaluated: 2018-01-22. Review status: criteria provided, single submitter. Criteria: Ambry Variant Classification Scheme 2023. Collection method: clinical testing. Allele origin: germline.

Illumina Laboratory Services, Illumina
Classification: Likely benign for Kallmann Syndrome 5. Last evaluated: 2018-01-13. Review status: criteria provided, single submitter. Criteria: ICSL Variant Classification Criteria 13 December 2019. Collection method: clinical testing. Allele origin: germline.
Comment: This variant was observed in the ICSL laboratory as part of a predisposition screen in an ostensibly healthy population. It had not been previously curated by ICSL or reported in the Human Gene Mutation Database (HGMD: prior to June 1st, 2018), and was therefore a candidate for classification through an automated scoring system. Utilizing variant allele frequency, disease prevalence and penetrance estimates, and inheritance mode, an automated score was calculated to assess if this variant is too frequent to cause the disease. Based on the score and internal cut-off values, a variant classified as likely benign is not then subjected to further curation. The score for this variant resulted in a classification of likely benign for this disease.

Eurofins Ntd Llc (ga)
Classification: Uncertain significance. Last evaluated: 2017-12-20. Review status: criteria provided, single submitter. Criteria: EGL Classification Definitions 2015. Collection method: clinical testing. Allele origin: germline. Observed: 1 variant allele, 1 heterozygote.

Center for Genomics, Ann and Robert H. Lurie Children's Hospital of Chicago
Classification: Likely benign for Hypogonadotropic hypogonadism 5 with or without anosmia; CHD7-related CHARGE syndrome. Review status: criteria provided, single submitter. Criteria: ACMG Guidelines, 2015. Collection method: clinical testing. Allele origin: germline.
Comment: This variant has not been reported in the literature but is present in the Genome Aggregation Database (Highest reported MAF: 0.08% [29/35346], including 1 homozygote). It is also present in ClinVar (Variation ID: 587800). Evolutionary conservation and computational predictive tools suggest that this variant may not impact the protein. In summary, data on this variant suggests that this variant does not cause disease but requires further evidence. Therefore, this variant is classified as likely benign.

PreventionGenetics, part of Exact Sciences
Classification: Likely benign for CHD7-related condition. Last evaluated: 2022-09-01. Review status: no assertion criteria provided. Collection method: clinical testing. Allele origin: germline. Not counted in ClinVar's aggregate classification.
Comment: This variant is classified as likely benign based on ACMG/AMP sequence variant interpretation guidelines (Richards et al. 2015 PMID: 25741868, with internal and published modifications).

Clinical Genetics DNA and cytogenetics Diagnostics Lab, Erasmus MC, Erasmus Medical Center
Classification: Likely benign. Review status: no assertion criteria provided. Collection method: clinical testing. Allele origin: germline. Affected: yes. Study: VKGL Data-share Consensus. Not counted in ClinVar's aggregate classification.

Genome Diagnostics Laboratory, University Medical Center Utrecht
Classification: Likely benign. Review status: no assertion criteria provided. Collection method: clinical testing. Allele origin: germline. Affected: yes. Study: VKGL Data-share Consensus. Not counted in ClinVar's aggregate classification.

Literature cited by the submitters: PubMed 25472840 (cited by Women's Health and Genetics/Laboratory Corporation of America, LabCorp).